The following is an entry in ClinVar:

NM_001365536.1(SCN9A):c.364A>G (p.Ile122Val)

Gene: SCN9A (sodium voltage-gated channel alpha subunit 9; minus strand). Cytogenetic location: 2q24.3.
Variant type: single nucleotide variant.
Coding change: c.364A>G on transcript NM_001365536.1 (MANE Select); coding-DNA position 364, A replaced by G.
Protein change: p.Ile122Val; replaces isoleucine 122 with valine.
Molecular consequence: missense variant.
Genome position (GRCh38, 1-based): chr2:166,306,969, T>C on the plus strand (A>G on the coding strand, the complement: SCN9A is on the minus strand). VCF-style: chr2-166306969-T-C. GRCh37 (hg19) VCF-style: chr2-167163479-T-C.
Other names: c.364A>G, p.Ile122Val (NM_002977.4); short protein forms I122V.
Identifiers: ClinVar variation 2941489 (VCV002941489.3), dbSNP rs2468134939, ClinGen allele CA349095536.

ClinVar aggregate classification (germline): Uncertain significance (1 of 4 stars; one submission).

Conditions:
Neuropathy, hereditary sensory and autonomic, type 2A (HSAN2A). Also called: ACROOSTEOLYSIS, GIACCAI TYPE; ACROOSTEOLYSIS, NEUROGENIC; MORVAN DISEASE; NEUROPATHY, CONGENITAL SENSORY; NEUROPATHY, HEREDITARY SENSORY RADICULAR, AUTOSOMAL RECESSIVE; NEUROPATHY, HEREDITARY SENSORY, TYPE IIA. Identifiers: Orphanet 970, MedGen C2752089, MONDO:0024309, OMIM 201300.
Generalized epilepsy with febrile seizures plus, type 7 (GEFSP7). Also called: GEFS+, TYPE 7. Identifiers: Orphanet 36387, MedGen C2751778, MONDO:0013470, OMIM 613863.

Submission:

Labcorp Genetics (formerly Invitae), Labcorp
Classification: Uncertain significance for Neuropathy, hereditary sensory and autonomic, type 2A; Generalized epilepsy with febrile seizures plus, type 7. Last evaluated: 2022-11-11. Review status: criteria provided, single submitter. Criteria: Invitae Variant Classification Sherloc (09022015). Collection method: clinical testing. Allele origin: germline.
Comment: This variant is not present in population databases (gnomAD no frequency). This variant has not been reported in the literature in individuals affected with SCN9A-related conditions. Advanced modeling of protein sequence and biophysical properties (such as structural, functional, and spatial information, amino acid conservation, physicochemical variation, residue mobility, and thermodynamic stability) performed at Invitae indicates that this missense variant is not expected to disrupt SCN9A protein function. Algorithms developed to predict the effect of sequence changes on RNA splicing suggest that this variant may create or strengthen a splice site. In summary, the available evidence is currently insufficient to determine the role of this variant in disease. Therefore, it has been classified as a Variant of Uncertain Significance. This sequence change replaces isoleucine, which is neutral and non-polar, with valine, which is neutral and non-polar, at codon 122 of the SCN9A protein (p.Ile122Val).